The following is an entry in ClinVar:

ClinVar aggregate classification (germline): Uncertain significance (1 of 4 stars; one submission).

gnomAD v4.1: 1 of 1,612,406 alleles (0.000062%); highest among the groups gnomAD compares: Non-Finnish European, 0.000085%; no homozygotes.

Submission:

GeneDx
Classification: Uncertain significance. Last evaluated: 2023-09-19. Review status: criteria provided, single submitter. Criteria: GeneDx Variant Classification Process June 2021. Collection method: clinical testing. Allele origin: germline.
Comment: Not observed at significant frequency in large population cohorts (gnomAD); Canonical splice site variant in a gene or region of a gene for which loss of function is not a well-established mechanism of disease; Has not been previously published as pathogenic or benign to our knowledge; Variants in candidate genes are classified as variants of uncertain significance in accordance with ACMG guidelines (Richards et al., 2015)

NM_032531.4(KIRREL3):c.742+1G>C

Gene: KIRREL3 (kirre like nephrin family adhesion molecule 3; minus strand). Cytogenetic location: 11q24.2.
Variant type: single nucleotide variant.
Coding change: c.742+1G>C on transcript NM_032531.4 (MANE Select); the canonical splice donor site of the intron after coding-DNA position 742, G replaced by C.
Molecular consequence: splice donor variant.
Genome position (GRCh38, 1-based): chr11:126,463,156, C>G on the plus strand (G>C on the coding strand, the complement: KIRREL3 is on the minus strand). VCF-style: chr11-126463156-C-G. GRCh37 (hg19) VCF-style: chr11-126333051-C-G.
Other names: c.742+1G>C (NM_001441257.1, NM_001441258.1, NM_001441261.1 and 5 more transcripts); c.592+1G>C (NM_001441262.1); c.781+1G>C (NM_001441256.1, NM_001441254.1, NM_001441263.1); c.850+1G>C (NM_001441252.1); c.700+1G>C (NM_001441260.1, NM_001441259.1, NM_001441255.1).
Identifiers: ClinVar variation 4891398 (VCV004891398.1).